The following is an entry in ClinVar:

NM_014633.5(CTR9):c.3383C>G (p.Ala1128Gly)

Gene: CTR9 (CTR9 component of Paf1/RNA polymerase II complex; plus strand). Cytogenetic location: 11p15.4.
Variant type: single nucleotide variant.
Coding change: c.3383C>G on transcript NM_014633.5 (MANE Select); coding-DNA position 3383, C replaced by G.
Protein change: p.Ala1128Gly; replaces alanine 1128 with glycine.
Molecular consequence: missense variant.
Genome position (GRCh38, 1-based): chr11:10,778,966, C>G. VCF-style: chr11-10778966-C-G. GRCh37 (hg19) VCF-style: chr11-10800513-C-G.
Other names: c.3311C>G, p.Ala1104Gly (NM_001346279.2); short protein forms A1104G, A1128G.
Identifiers: ClinVar variation 1054962 (VCV001054962.9), dbSNP rs1390026622, ClinGen allele CA379679659.
Genomic context (GRCh38, chr11:10,778,966, plus strand): 5'-AGTCAGGGAGAAGCCACTCAGGAGTTTCTGAGAACGACTCTCGCCCAGCTTCTCCAAGTG[C>G]CGAATCAGATCACGAATCGGAGAGAGGATCTGATAATGAGGGTTCTGGCCAAGGCTCTGG-3'
Protein context (NP_055448.1, residues 1118-1138): ENDSRPASPS[Ala1128Gly]ESDHESERGS

ClinVar aggregate classification (germline): Uncertain significance (1 of 4 stars; one submission).

Allele frequency attached by ClinVar (database versions not stated): gnomAD exomes below 0.00001.
gnomAD v4.1: 3 of 1,614,128 alleles (0.00019%); highest among the groups gnomAD compares: South Asian, 0.0022%; no homozygotes.

Submission:

Labcorp Genetics (formerly Invitae), Labcorp
Classification: Uncertain significance. Last evaluated: 2025-05-05. Review status: criteria provided, single submitter. Criteria: Invitae Variant Classification Sherloc (09022015). Collection method: clinical testing. Allele origin: germline.
Comment: This sequence change replaces alanine, which is neutral and non-polar, with glycine, which is neutral and non-polar, at codon 1128 of the CTR9 protein (p.Ala1128Gly). This variant is present in population databases (no rsID available, gnomAD 0.003%). This variant has not been reported in the literature in individuals affected with CTR9-related conditions. ClinVar contains an entry for this variant (Variation ID: 1054962). An algorithm developed to predict the effect of missense changes on protein structure and function (PolyPhen-2) suggests that this variant is likely to be tolerated. In summary, the available evidence is currently insufficient to determine the role of this variant in disease. Therefore, it has been classified as a Variant of Uncertain Significance.